The following is an entry in ClinVar:

NM_022124.6(CDH23):c.3593T>C (p.Val1198Ala)

Genes: C10orf105 (chromosome 10 open reading frame 105; minus strand), CDH23 (cadherin related 23; plus strand). Cytogenetic location: 10q22.1.
Variant type: single nucleotide variant.
Coding change: c.3593T>C on transcript NM_022124.6 (MANE Select); coding-DNA position 3593, T replaced by C.
Protein change: p.Val1198Ala; replaces valine 1198 with alanine.
Molecular consequence: missense variant. On other transcripts: intron variant (1).
Genome position (GRCh38, 1-based): chr10:71,730,482, T>C. VCF-style: chr10-71730482-T-C. GRCh37 (hg19) VCF-style: chr10-73490239-T-C.
Other names: c.3593T>C, p.Val1198Ala (NM_001171930.2); c.-6+7246A>G (NM_001168390.2); c.3593T>C (NM_022124.5); short protein forms V1198A.
Identifiers: ClinVar variation 1414764 (VCV001414764.8), dbSNP rs759990271, ClinGen allele CA5544787.

ClinVar aggregate classification (germline): Uncertain significance. Review status: criteria provided, multiple submitters, no conflicts (2 of 4 stars). 3 submissions from 3 submitters: Uncertain significance (3). Last evaluated 2025-05-20.

Conditions:
Usher syndrome type 1D (USH1D). Also called: USHER SYNDROME, TYPE ID. Identifiers: Orphanet 231169, Orphanet 886, MedGen C1832845, MONDO:0010984, OMIM 601067.
Pituitary adenoma 5, multiple types. Identifiers: MedGen C4539685, MONDO:0054601, OMIM 617540.
Autosomal recessive nonsyndromic hearing loss 12. Also called: DEAFNESS, AUTOSOMAL RECESSIVE 12. Identifiers: Orphanet 90636, MedGen C1832394, MONDO:0011067, OMIM 601386.
Inborn genetic diseases. Identifiers: MedGen C0950123, MeSH D030342.

Allele frequency attached by ClinVar (database versions not stated): ExAC 0.00002; TOPMed 0.00001; gnomAD exomes 0.00002; gnomAD 0.00001.
gnomAD v4.1: 23 of 1,613,630 alleles (0.0014%); highest among the groups gnomAD compares: Middle Eastern, 0.067%; no homozygotes.

Submissions (3):

Ambry Genetics
Classification: Uncertain significance for Inborn genetic diseases. Last evaluated: 2025-05-20. Review status: criteria provided, single submitter. Criteria: Ambry Variant Classification Scheme 2023. Collection method: clinical testing. Allele origin: germline.

Labcorp Genetics (formerly Invitae), Labcorp
Classification: Uncertain significance. Last evaluated: 2022-09-19. Review status: criteria provided, single submitter. Criteria: Invitae Variant Classification Sherloc (09022015). Collection method: clinical testing. Allele origin: germline.
Comment: This sequence change replaces valine, which is neutral and non-polar, with alanine, which is neutral and non-polar, at codon 1198 of the CDH23 protein (p.Val1198Ala). This variant is present in population databases (rs759990271, gnomAD 0.006%). This variant has not been reported in the literature in individuals affected with CDH23-related conditions. ClinVar contains an entry for this variant (Variation ID: 1414764). Advanced modeling of protein sequence and biophysical properties (such as structural, functional, and spatial information, amino acid conservation, physicochemical variation, residue mobility, and thermodynamic stability) has been performed at Invitae for this missense variant, however the output from this modeling did not meet the statistical confidence thresholds required to predict the impact of this variant on CDH23 protein function. In summary, the available evidence is currently insufficient to determine the role of this variant in disease. Therefore, it has been classified as a Variant of Uncertain Significance.

Fulgent Genetics
Classification: Uncertain significance for Usher syndrome type 1D; Autosomal recessive nonsyndromic hearing loss 12; Pituitary adenoma 5, multiple types. Last evaluated: 2021-07-27. Review status: criteria provided, single submitter. Criteria: ACMG Guidelines, 2015. Collection method: clinical testing. Allele origin: unknown.